The following is an entry in ClinVar:

NM_001146079.2(CLDN14):c.251T>C (p.Met84Thr)

Genes: CLDN14 (claudin 14; minus strand), CLDN14-AS1 (CLDN14 antisense RNA 1; plus strand). Cytogenetic location: 21q22.13.
Variant type: single nucleotide variant.
Coding change: c.251T>C on transcript NM_001146079.2 (MANE Select); coding-DNA position 251, T replaced by C.
Protein change: p.Met84Thr; replaces methionine 84 with threonine.
Molecular consequence: missense variant.
Genome position (GRCh38, 1-based): chr21:36,461,445, A>G on the plus strand (T>C on the coding strand, the complement: CLDN14 is on the minus strand). VCF-style: chr21-36461445-A-G. GRCh37 (hg19) VCF-style: chr21-37833743-A-G.
Other names: c.251T>C, p.Met84Thr (NM_001146077.2, NM_001146078.3, NM_012130.4 and 1 more transcripts); short protein forms M84T.
Identifiers: ClinVar variation 3367699 (VCV003367699.1).

ClinVar aggregate classification (germline): Uncertain significance (1 of 4 stars; one submission).

Submission:

GeneDx
Classification: Uncertain significance. Last evaluated: 2024-01-10. Review status: criteria provided, single submitter. Criteria: GeneDx Variant Classification Process June 2021. Collection method: clinical testing. Allele origin: germline. Affected: yes.
Comment: Not observed at significant frequency in large population cohorts (gnomAD); In silico analysis supports that this missense variant has a deleterious effect on protein structure/function; Has not been previously published as pathogenic or benign to our knowledge